The following is an entry in ClinVar:

ClinVar aggregate classification (germline): Pathogenic (1 of 4 stars; one submission).

Submission:

Labcorp Genetics (formerly Invitae), Labcorp
Classification: Pathogenic. Last evaluated: 2023-05-27. Review status: criteria provided, single submitter. Criteria: Invitae Variant Classification Sherloc (09022015). Collection method: clinical testing. Allele origin: germline.
Comment: For these reasons, this variant has been classified as Pathogenic. ClinVar contains an entry for this variant (Variation ID: 1070127). This variant has not been reported in the literature in individuals affected with ADGRV1-related conditions. This variant is present in population databases (rs759761847, gnomAD 0.0009%). This sequence change creates a premature translational stop signal (p.Phe6023Leufs*3) in the ADGRV1 gene. It is expected to result in an absent or disrupted protein product. Loss-of-function variants in ADGRV1 are known to be pathogenic (PMID: 19357117, 22135276, 22147658, 26226137, 30718709, 31047384, 32467589).

Literature cited by the submitters: PubMed 19357117; PubMed 22135276; PubMed 22147658; PubMed 26226137; PubMed 30718709; PubMed 31047384; PubMed 32467589.

NM_032119.4(ADGRV1):c.18069del (p.Phe6023fs)

Gene: ADGRV1 (adhesion G protein-coupled receptor V1; plus strand). Cytogenetic location: 5q14.3.
Variant type: Deletion.
Coding change: c.18069del on transcript NM_032119.4 (MANE Select); coding-DNA position 18069, one base deleted (T; older notation c.18069delT).
Protein change: p.Phe6023fs; shifts the reading frame from phenylalanine 6023.
Molecular consequence: frameshift variant. On other transcripts: non-coding transcript variant (1).
Genome position (GRCh38, 1-based): chr5:90,985,439, T deleted; the last of 4 consecutive T bases (chr5:90,985,436-90,985,439); deleting any one gives the same sequence. VCF-style (leftmost placement, unchanged base first): chr5-90985435-CT-C. GRCh37 (hg19) VCF-style: chr5-90281252-CT-C.
Other names: short protein forms F6023fs.
Identifiers: ClinVar variation 1070127 (VCV001070127.7), dbSNP rs759761847, ClinGen allele CA3342550.